The following is an entry in ClinVar:

NM_000174.5(GP9):c.-210_*133del (p.Met1fs)

Gene: GP9 (glycoprotein IX platelet; plus strand). Cytogenetic location: 3q21.3.
Variant type: Deletion.
Coding change: c.-210_*133del on transcript NM_000174.5 (MANE Select); 210 bases upstream of the start codon through 133 bases downstream of the stop codon, 1,628 bases deleted.
Protein change: p.Met1fs; shifts the reading frame from methionine 1.
Molecular consequence: frameshift variant, splice acceptor variant, splice donor variant, initiator codon variant.
Genome position (GRCh38, 1-based): chr3:129,060,779-129,062,406, 1,628 bases deleted. GRCh37 (hg19): chr3:128,779,622-128,781,249.
Other names: short protein forms M1fs.
Identifiers: ClinVar variation 1338739 (VCV001338739.3), ClinGen allele CA2573052079.

ClinVar aggregate classification (germline): Pathogenic (1 of 4 stars; one submission).

Conditions:
Bernard Soulier syndrome (BSS). Also called: VON WILLEBRAND FACTOR RECEPTOR DEFICIENCY; GLYCOPROTEIN Ib, PLATELET, DEFICIENCY OF; BLEEDING DISORDER, PLATELET-TYPE, 1; Platelet Glycoprotein 1b, Deficiency of; Giant platelet syndrome; Hemorrhagiparous thrombocytic dystrophy. Identifiers: Orphanet 274, MedGen C0005129, MeSH D001606, MONDO:0009276, OMIM 231200.

Submission:

ISTH-SSC Genomics in Thrombosis and Hemostasis, KU Leuven, Center for Molecular and Vascular Biology
Classification: Pathogenic for Bernard Soulier syndrome. Review status: criteria provided, single submitter. Criteria: ACMG Guidelines, 2015. Collection method: clinical testing. Allele origin: biparental. Affected: yes.
Comment: Submitted to GoldVariant by Kathleen Freson, Center for Molecular and Vascular Biology, Leuven, Belgium

Literature cited by the submitters: PubMed 34355501.